The following is an entry in ClinVar:

NM_005430.4(WNT1):c.704G>T (p.Arg235Leu)

Gene: WNT1 (Wnt family member 1; plus strand). Cytogenetic location: 12q13.12.
Variant type: single nucleotide variant.
Coding change: c.704G>T on transcript NM_005430.4 (MANE Select); coding-DNA position 704, G replaced by T.
Protein change: p.Arg235Leu; replaces arginine 235 with leucine.
Molecular consequence: missense variant.
Genome position (GRCh38, 1-based): chr12:48,981,231, G>T. VCF-style: chr12-48981231-G-T. GRCh37 (hg19) VCF-style: chr12-49375014-G-T.
Other names: short protein forms R235L.
Identifiers: ClinVar variation 2027438 (VCV002027438.4), dbSNP rs766341301, ClinGen allele CA236608715.

ClinVar aggregate classification (germline): Uncertain significance (1 of 4 stars; one submission).

gnomAD v4.1: 1 of 1,610,454 alleles (0.000062%); highest among the groups gnomAD compares: Non-Finnish European, 0.000085%; no homozygotes.

Submission:

Labcorp Genetics (formerly Invitae), Labcorp
Classification: Uncertain significance. Last evaluated: 2022-08-27. Review status: criteria provided, single submitter. Criteria: Invitae Variant Classification Sherloc (09022015). Collection method: clinical testing. Allele origin: germline.
Comment: In summary, the available evidence is currently insufficient to determine the role of this variant in disease. Therefore, it has been classified as a Variant of Uncertain Significance. This variant disrupts the p.Arg235 amino acid residue in WNT1. Other variant(s) that disrupt this residue have been determined to be pathogenic (PMID: 23499309, 32369212). This suggests that this residue is clinically significant, and that variants that disrupt this residue are likely to be disease-causing. Algorithms developed to predict the effect of missense changes on protein structure and function (SIFT, PolyPhen-2, Align-GVGD) all suggest that this variant is likely to be disruptive. This variant has not been reported in the literature in individuals affected with WNT1-related conditions. This variant is not present in population databases (gnomAD no frequency). This sequence change replaces arginine, which is basic and polar, with leucine, which is neutral and non-polar, at codon 235 of the WNT1 protein (p.Arg235Leu).

Literature cited by the submitters: PubMed 23499309; PubMed 32369212.